The following is an entry in ClinVar:

NM_003482.4(KMT2D):c.7411C>T (p.Arg2471Ter)

Gene: KMT2D (lysine methyltransferase 2D; minus strand). Cytogenetic location: 12q13.12.
Variant type: single nucleotide variant.
Coding change: c.7411C>T on transcript NM_003482.4 (MANE Select); coding-DNA position 7411, C replaced by T.
Protein change: p.Arg2471Ter; replaces arginine 2471 with a stop codon.
Molecular consequence: nonsense.
Genome position (GRCh38, 1-based): chr12:49,040,359, G>A on the plus strand (C>T on the coding strand, the complement: KMT2D is on the minus strand). VCF-style: chr12-49040359-G-A. GRCh37 (hg19) VCF-style: chr12-49434142-G-A.
Other names: short protein forms R2471*.
Identifiers: ClinVar variation 373723 (VCV000373723.11), dbSNP rs1057518571, ClinGen allele CA16042800.
Genomic context (GRCh38, chr12:49,040,359, plus strand): 5'-CCCCCAGCGAAGTGTGGGCTAGAGACCCAGCCTTAAAGGCAACTTCAGGGGGCTGGGGTC[G>A]GGGTGGCTTATGCAATGGGGCAAATGGGTCACGGGACTGAGGGCGTGAGGGTGGGCGAGA-3'

ClinVar aggregate classification (germline): Pathogenic. Review status: criteria provided, multiple submitters, no conflicts (2 of 4 stars). 2 submissions from 2 submitters: Pathogenic (2). Last evaluated 2022-11-01.

Conditions:
Kabuki syndrome. Also called: NIIKAWA-KUROKI SYNDROME; Kabuki make-up syndrome. Identifiers: Orphanet 2322, MedGen C0796004, MONDO:0016512.

Allele frequency attached by ClinVar (database versions not stated): gnomAD exomes below 0.00001; gnomAD 0.00001.
gnomAD v4.1: 2 of 1,565,948 alleles (0.00013%); highest among the groups gnomAD compares: African/African-American, 0.0014%; no homozygotes.

Submissions (2):

GeneDx
Classification: Pathogenic. Last evaluated: 2022-11-01. Review status: criteria provided, single submitter. Criteria: GeneDx Variant Classification Process June 2021. Collection method: clinical testing. Allele origin: germline. Affected: yes.
Comment: Nonsense variant predicted to result in protein truncation or nonsense mediated decay in a gene for which loss of function is a known mechanism of disease; Not observed at significant frequency in large population cohorts (gnomAD); This variant is associated with the following publications: (PMID: 27302555)

Labcorp Genetics (formerly Invitae), Labcorp
Classification: Pathogenic for Kabuki syndrome. Last evaluated: 2018-01-11. Review status: criteria provided, single submitter. Criteria: Invitae Variant Classification Sherloc (09022015). Collection method: clinical testing. Allele origin: germline.
Comment: This variant is not present in population databases (ExAC no frequency). For these reasons, this variant has been classified as Pathogenic. Loss-of-function variants in KMT2D are known to be pathogenic (PMID: 22126750). This variant has been reported to be de novo in individuals affected with Kabuki syndrome (PMID: 27302555). ClinVar contains an entry for this variant (Variation ID: 373723). This sequence change creates a premature translational stop signal (p.Arg2471*) in the KMT2D gene. It is expected to result in an absent or disrupted protein product.

Literature cited by the submitters: PubMed 22126750 (cited by Labcorp Genetics (formerly Invitae), Labcorp); PubMed 27302555 (cited by Labcorp Genetics (formerly Invitae), Labcorp).